The following is an entry in ClinVar:

NM_020975.6(RET):c.2731-18A>C

Gene: RET (ret proto-oncogene; plus strand). Cytogenetic location: 10q11.21.
Variant type: single nucleotide variant.
Coding change: c.2731-18A>C on transcript NM_020975.6 (MANE Select); 18 bases into the intron before coding-DNA position 2731, A replaced by C.
Molecular consequence: intron variant.
Genome position (GRCh38, 1-based): chr10:43,121,928, A>C. VCF-style: chr10-43121928-A-C. GRCh37 (hg19) VCF-style: chr10-43617376-A-C.
Other names: c.2005-18A>C (NM_001406775.1, NM_001406776.1, NM_001406777.1 and 1 more transcripts); c.1546-18A>C (NM_001406790.1, NM_001406788.1, NM_001406789.1); c.1426-18A>C (NM_001406791.1); c.1741-18A>C (NM_001406784.1); c.1282-18A>C (NM_001406794.1, NM_001406792.1, NM_001406793.1); c.1969-18A>C (NM_001355216.2); c.2731-18A>C (NM_020630.7, NM_001406743.1, NM_001406744.1 and 2 more transcripts); c.2596-18A>C (NM_001406765.1, NM_001406763.1); and 10 more.
Identifiers: ClinVar variation 3904559 (VCV003904559.1).

ClinVar aggregate classification (germline): Likely benign (1 of 4 stars; one submission).

Conditions:
Multiple endocrine neoplasia type 2A. Also called: Multiple Endocrine Neoplasia Type 2A (MEN2A); MULTIPLE ENDOCRINE NEOPLASIA, TYPE IIA; PTC SYNDROME; SIPPLE SYNDROME; MEN 2A; MEN-2A syndrome. Identifiers: Orphanet 247698, Orphanet 653, MedGen C0025268, MeSH D018813, MONDO:0008234, OMIM 171400.

Submission:

Myriad Genetics, Inc.
Classification: Likely benign for Multiple endocrine neoplasia type 2A. Last evaluated: 2025-02-27. Review status: criteria provided, single submitter. Criteria: Myriad Autosomal Dominant, Autosomal Recessive and X-Linked Classification Criteria (2023). Collection method: clinical testing. Allele origin: unknown.
Comment: This variant is considered likely benign. This variant is intronic and is not expected to impact mRNA splicing.